The following is an entry in ClinVar:

NM_001371928.1(AHDC1):c.4571C>A (p.Pro1524His)

Gene: AHDC1 (AT-hook DNA binding motif containing 1; minus strand). Cytogenetic location: 1p36.11.
Variant type: single nucleotide variant.
Coding change: c.4571C>A on transcript NM_001371928.1 (MANE Select); coding-DNA position 4571, C replaced by A.
Protein change: p.Pro1524His; replaces proline 1524 with histidine.
Molecular consequence: missense variant.
Genome position (GRCh38, 1-based): chr1:27,547,545, G>T on the plus strand (C>A on the coding strand, the complement: AHDC1 is on the minus strand). VCF-style: chr1-27547545-G-T. GRCh37 (hg19) VCF-style: chr1-27874056-G-T.
Other names: c.4571C>A, p.Pro1524His (NM_001029882.3); c.527C>A, p.Pro176His (NM_015699.1); short protein forms P1524H, P176H.
Identifiers: ClinVar variation 3234852 (VCV003234852.1), dbSNP rs2521783316, ClinGen allele CA339220767.

ClinVar aggregate classification (germline): Uncertain significance (1 of 4 stars; one submission).

Conditions:
AHDC1-related intellectual disability - obstructive sleep apnea - mild dysmorphism syndrome. Also called: Xia-Gibbs syndrome. Identifiers: Orphanet 412069, MedGen C4014419, MONDO:0014358, OMIM 615829.

gnomAD v4.1: 15 of 1,611,366 alleles (0.00093%); highest among the groups gnomAD compares: South Asian, 0.0022%; no homozygotes.

Submission:

Neuberg Centre For Genomic Medicine, NCGM
Classification: Uncertain significance for AHDC1-related intellectual disability - obstructive sleep apnea - mild dysmorphism syndrome. Review status: criteria provided, single submitter. Criteria: ACMG Guidelines, 2015. Collection method: clinical testing. Allele origin: germline. Inheritance: Autosomal dominant inheritance. Affected: yes.
Comment: The missense variant c.4571C>Ap.Pro1524His in AHDC1 gene has not been reported previously as a pathogenic variant nor as a benign variant, to our knowledge. The variant is novel not in any individuals in gnomAD Exomes and 1000 Genomes. The amino acid Proline at position 1524 is changed to a Histidine changing protein sequence and it might alter its composition and physicochemical properties. The variant is predicted to be damaging by SIFT. The amino acid change p.Pro1524His in AHDC1 is predicted as conserved by GERP++ and PhyloP across 100 vertebrates. For these reasons, this variant has been classified as Uncertain Significance.